The following is an entry in ClinVar:

NM_001457.4(FLNB):c.4190T>C (p.Val1397Ala)

Gene: FLNB (filamin B; plus strand). Cytogenetic location: 3p14.3.
Variant type: single nucleotide variant.
Coding change: c.4190T>C on transcript NM_001457.4 (MANE Select); coding-DNA position 4190, T replaced by C.
Protein change: p.Val1397Ala; replaces valine 1397 with alanine.
Molecular consequence: missense variant.
Genome position (GRCh38, 1-based): chr3:58,126,730, T>C. VCF-style: chr3-58126730-T-C. GRCh37 (hg19) VCF-style: chr3-58112457-T-C.
Other names: c.4190T>C, p.Val1397Ala (NM_001164317.2, NM_001164318.2, NM_001164319.2); short protein forms V1397A.
Identifiers: ClinVar variation 1061812 (VCV001061812.5), dbSNP rs2097298569, ClinGen allele CA353350391.
Genomic context (GRCh38, chr3:58,126,730, plus strand): 5'-ACAACAAGGATGGCAGCTGCAGTGCTGAGTACATTCCTTTCGCACCGGGGGATTACGATG[T>C]TAATATCACATATGGAGGAGCCCACATCCCCGGTGAGCTATTCCTCAGAGAGGACCCCAG-3'
Protein context (NP_001448.2, residues 1387-1407): YIPFAPGDYD[Val1397Ala]NITYGGAHIP

ClinVar aggregate classification (germline): Uncertain significance (1 of 4 stars; one submission).

Allele frequency attached by ClinVar (database versions not stated): TOPMed 0.00001.

Submission:

Labcorp Genetics (formerly Invitae), Labcorp
Classification: Uncertain significance. Last evaluated: 2022-09-07. Review status: criteria provided, single submitter. Criteria: Invitae Variant Classification Sherloc (09022015). Collection method: clinical testing. Allele origin: germline.
Comment: In summary, the available evidence is currently insufficient to determine the role of this variant in disease. Therefore, it has been classified as a Variant of Uncertain Significance. Advanced modeling of protein sequence and biophysical properties (such as structural, functional, and spatial information, amino acid conservation, physicochemical variation, residue mobility, and thermodynamic stability) performed at Invitae indicates that this missense variant is not expected to disrupt FLNB protein function. ClinVar contains an entry for this variant (Variation ID: 1061812). This variant has not been reported in the literature in individuals affected with FLNB-related conditions. This variant is not present in population databases (gnomAD no frequency). This sequence change replaces valine, which is neutral and non-polar, with alanine, which is neutral and non-polar, at codon 1397 of the FLNB protein (p.Val1397Ala).